The following is an entry in ClinVar:

ClinVar aggregate classification (germline): Pathogenic/Likely pathogenic. Review status: criteria provided, multiple submitters, no conflicts (2 of 4 stars). 11 submissions from 9 submitters: Pathogenic (5); Likely pathogenic (4). 2 of the submissions do not count toward it. Last evaluated 2025-04-28.

Conditions:
Pigmented paravenous retinochoroidal atrophy. Identifiers: Orphanet 251295, MedGen C1868310, MONDO:0008246, OMIM 172870.
Retinitis pigmentosa 12 (RP12). Also called: RP WITH OR WITHOUT PPRPE; RP WITH OR WITHOUT PRESERVED PARAARTERIOLE RETINAL PIGMENT EPITHELIUM; RETINITIS PIGMENTOSA WITH OR WITHOUT PARAARTERIOLAR PRESERVATION OF RETINAL PIGMENT EPITHELIUM. Identifiers: Orphanet 791, MedGen C1838647, MONDO:0010818, OMIM 600105.
Leber congenital amaurosis 8 (LCA8). Identifiers: Orphanet 65, MedGen C3151202, MONDO:0013453, OMIM 613835.
CRB1-related disorder. Also called: CRB1-related condition; CRB1-related disorders.
Leber congenital amaurosis (LCA). Also called: Leber's amaurosis. Identifiers: Orphanet 65, MedGen C0339527, MeSH D057130, MONDO:0018998.

Submissions (11):

Natera, Inc.
Classification: Pathogenic for Leber congenital amaurosis. Last evaluated: 2025-04-28. Review status: criteria provided, single submitter. Criteria: Natera Variant Classification Schema (03/2026). Collection method: clinical testing. Allele origin: germline.
Comment: The c.506del variant in CRB1 is a frameshift variant predicted to shift the reading frame beginning at codon 169 and leads to a stop codon 37 codons downstream. This variant is expected to result in nonsense mediated decay, truncation, or a dysfunctional protein product. This variant is rare in the general population with a frequency below the threshold expected for the associated phenotype(s). This variant has been observed in one or more individuals affected with the associated recessive disease, as either homozygous or compound heterozygous with a second variant (PMID: 23591405). Given the available evidence, this variant is classified as Pathogenic.

Baylor Genetics
Classification: Pathogenic for Leber congenital amaurosis 8. Last evaluated: 2024-03-07. Review status: criteria provided, single submitter. Criteria: ACMG Guidelines, 2015. Collection method: clinical testing. Allele origin: unknown.

Genome-Nilou Lab
Classification: Likely pathogenic for Leber congenital amaurosis 8. Last evaluated: 2023-04-11. Review status: criteria provided, single submitter. Criteria: ACMG Guidelines, 2015. Collection method: clinical testing. Allele origin: germline. Affected: no.

Genome-Nilou Lab
Classification: Likely pathogenic for Pigmented paravenous retinochoroidal atrophy. Last evaluated: 2023-04-11. Review status: criteria provided, single submitter. Criteria: ACMG Guidelines, 2015. Collection method: clinical testing. Allele origin: germline. Affected: no.

Genome-Nilou Lab
Classification: Likely pathogenic for Retinitis pigmentosa 12. Last evaluated: 2023-04-11. Review status: criteria provided, single submitter. Criteria: ACMG Guidelines, 2015. Collection method: clinical testing. Allele origin: germline. Affected: no.

Fulgent Genetics
Classification: Pathogenic for Pigmented paravenous retinochoroidal atrophy; Retinitis pigmentosa 12; Leber congenital amaurosis 8. Last evaluated: 2022-04-26. Review status: criteria provided, single submitter. Criteria: ACMG Guidelines, 2015. Collection method: clinical testing. Allele origin: unknown.

Labcorp Genetics (formerly Invitae), Labcorp
Classification: Pathogenic for Leber congenital amaurosis 8; Retinitis pigmentosa 12. Last evaluated: 2021-02-07. Review status: criteria provided, single submitter. Criteria: Invitae Variant Classification Sherloc (09022015). Collection method: clinical testing. Allele origin: germline.
Comment: This sequence change creates a premature translational stop signal (p.Gly169Valfs*37) in the CRB1 gene. It is expected to result in an absent or disrupted protein product. Loss-of-function variants in CRB1 are known to be pathogenic (PMID: 10508521, 22065545, 23379534, 25412400, 26957898, 28041643, 29391521). For these reasons, this variant has been classified as Pathogenic. This variant has been observed in combination with another CRB1 variant in an individual with retinitis pigmentosa (PMID: 23591405). ClinVar contains an entry for this variant (Variation ID: 866384). This variant is not present in population databases (ExAC no frequency).

Blueprint Genetics
Classification: Likely pathogenic for CRB1-related disorders. Last evaluated: 2019-06-29. Review status: criteria provided, single submitter. Criteria: ACMG Guidelines, 2015. Collection method: clinical testing. Allele origin: germline. Affected: yes. Observed: 3 variant alleles.

CeGaT Center for Human Genetics Tuebingen
Classification: Pathogenic. Last evaluated: 2016-10-01. Review status: criteria provided, single submitter. Criteria: CeGaT Center For Human Genetics Tuebingen Variant Classification Criteria Version 2. Collection method: clinical testing. Allele origin: germline. Affected: yes. Observed: 1 variant allele.

PreventionGenetics, part of Exact Sciences
Classification: Pathogenic for CRB1-related condition. Last evaluated: 2024-08-14. Review status: no assertion criteria provided. Collection method: clinical testing. Allele origin: germline. Not counted in ClinVar's aggregate classification.
Comment: The CRB1 c.506delG variant is predicted to result in a frameshift and premature protein termination (p.Gly169Valfs*37). This variant has been reported along with a second CRB1 variant in individuals with retinal disease (Table S1, Glöckle et al. 2014. PubMed ID: 23591405; Stingl et al. 2019. PubMed ID: 31879567; Table S1, Weisschuh et al. 2020. PubMed ID: 32531858). This variant is reported in 0.0018% of alleles in individuals of European (Non-Finnish) descent in gnomAD. Frameshift variants in CRB1 are expected to be pathogenic. Given the evidence, we interpret this variant as pathogenic.

Laboratory of Genetics in Ophthalmology, Institut Imagine
Classification: Pathogenic for Leber congenital amaurosis 8. Review status: no assertion criteria provided. Collection method: research. Allele origin: maternal. Affected: yes. Observed: 1 variant allele. Not counted in ClinVar's aggregate classification.

Literature cited by the submitters: PubMed 23591405 (cited by 3 submitters); PubMed 10508521 (cited by Labcorp Genetics (formerly Invitae), Labcorp); PubMed 22065545 (cited by Labcorp Genetics (formerly Invitae), Labcorp); PubMed 23379534 (cited by Labcorp Genetics (formerly Invitae), Labcorp); PubMed 25412400 (cited by Labcorp Genetics (formerly Invitae), Labcorp); PubMed 26957898 (cited by Labcorp Genetics (formerly Invitae), Labcorp); PubMed 28041643 (cited by Labcorp Genetics (formerly Invitae), Labcorp); PubMed 29391521 (cited by Labcorp Genetics (formerly Invitae), Labcorp).

NM_201253.3(CRB1):c.506del (p.Gly169fs)

Gene: CRB1 (crumbs cell polarity complex component 1; plus strand). Cytogenetic location: 1q31.3.
Variant type: Deletion.
Coding change: c.506del on transcript NM_201253.3 (MANE Select); coding-DNA position 506, one base deleted (G; older notation c.506delG).
Protein change: p.Gly169fs; shifts the reading frame from glycine 169.
Molecular consequence: frameshift variant. On other transcripts: non-coding transcript variant (2).
Genome position (GRCh38, 1-based): chr1:197,328,857, G deleted; the last of 2 consecutive G bases (chr1:197,328,856-197,328,857); deleting either gives the same sequence. VCF-style (leftmost placement, unchanged base first): chr1-197328855-TG-T. GRCh37 (hg19) VCF-style: chr1-197297985-TG-T.
Other names: c.506delG (NM_201253.2); c.506del, p.Gly169fs (NM_001193640.2, NM_001257966.2); c.299del, p.Gly100fs (NM_001257965.2); short protein forms G169fs, G100fs.
Identifiers: ClinVar variation 866384 (VCV000866384.53), dbSNP rs1167867158, ClinGen allele CA528537411.